The following is an entry in ClinVar:

NM_000138.5(FBN1):c.4222T>A (p.Cys1408Ser)

Genes: FBN1 (fibrillin 1; minus strand), LOC126862124 (CDK7 strongly-dependent group 2 enhancer GRCh37_chr15:48764566-48765765; plus strand). Cytogenetic location: 15q21.1.
Variant type: single nucleotide variant.
Coding change: c.4222T>A on transcript NM_000138.5 (MANE Select); coding-DNA position 4222, T replaced by A.
Protein change: p.Cys1408Ser; replaces cysteine 1408 with serine.
Molecular consequence: missense variant.
Genome position (GRCh38, 1-based): chr15:48,472,665, A>T on the plus strand (T>A on the coding strand, the complement: FBN1 is on the minus strand). VCF-style: chr15-48472665-A-T. GRCh37 (hg19) VCF-style: chr15-48764862-A-T.
Other names: c.4222T>A, p.Cys1408Ser (NM_001406716.1); short protein forms C1408S.
Identifiers: ClinVar variation 2949991 (VCV002949991.3), dbSNP rs397515802, ClinGen allele CA392318094.

ClinVar aggregate classification (germline): Pathogenic (1 of 4 stars; one submission).

Conditions:
Marfan syndrome (MFS). Also called: MARFAN SYNDROME, TYPE I; Marfan syndrome type 1; Marfan's syndrome; Marfan syndrome, classic; FBN1-Related Marfan Syndrome. Identifiers: Orphanet 284963, Orphanet 558, MedGen C0024796, MONDO:0007947, OMIM 154700.
Familial thoracic aortic aneurysm and aortic dissection (TAAD). Also called: Thoracic aortic aneurysms and dissections. Identifiers: Orphanet 91387, MedGen C4707243, MONDO:0019625.

Submission:

Labcorp Genetics (formerly Invitae), Labcorp
Classification: Pathogenic for Marfan syndrome; Familial thoracic aortic aneurysm and aortic dissection. Last evaluated: 2023-07-20. Review status: criteria provided, single submitter. Criteria: Invitae Variant Classification Sherloc (09022015). Collection method: clinical testing. Allele origin: germline.
Comment: This sequence change replaces cysteine, which is neutral and slightly polar, with serine, which is neutral and polar, at codon 1408 of the FBN1 protein (p.Cys1408Ser). This variant is not present in population databases (gnomAD no frequency). This missense change has been observed in individuals with Marfan syndrome (PMID: 28973303; Invitae). Advanced modeling of protein sequence and biophysical properties (such as structural, functional, and spatial information, amino acid conservation, physicochemical variation, residue mobility, and thermodynamic stability) performed at Invitae indicates that this missense variant is expected to disrupt FBN1 protein function. This variant affects a cysteine residue in the EGF-like, TGFBP or hybrid motif domains of FBN1. Cysteine residues are believed to be involved in intramolecular disulfide bridges and have been shown to be important for FBN1 protein structure (PMID: 16905551, 19349279). In addition, missense substitutions affecting cysteine residues within these domains are significantly overrepresented among patients with Marfan syndrome (PMID: 16571647, 17701892). For these reasons, this variant has been classified as Pathogenic.

Literature cited by the submitters: PubMed 28973303; PubMed 16905551; PubMed 19349279; PubMed 16571647; PubMed 17701892.